The following is an entry in ClinVar:

ClinVar aggregate classification (germline): Conflicting classifications of pathogenicity. Review status: criteria provided, conflicting classifications (1 of 4 stars). 2 submissions from 2 submitters: Uncertain significance (1); Likely benign (1). Last evaluated 2026-01-11.

Conditions:
Inborn genetic diseases. Identifiers: MedGen C0950123, MeSH D030342.
Brachyolmia-amelogenesis imperfecta syndrome. Also called: PLATYSPONDYLY WITH AMELOGENESIS IMPERFECTA; Tooth agenesis, selective, 6; Dental anomalies and short stature. Identifiers: Orphanet 2899, MedGen C1832594, MONDO:0011018, OMIM 601216. Disease mechanism: loss of function.

Allele frequency attached by ClinVar (database versions not stated): 1000 Genomes Project 0.00020.
gnomAD v4.1: 2 of 1,551,136 alleles (0.00013%); highest among the groups gnomAD compares: Admixed American, 0.0038%; no homozygotes.

Submissions (2):

Labcorp Genetics (formerly Invitae), Labcorp
Classification: Uncertain significance for Brachyolmia-amelogenesis imperfecta syndrome. Last evaluated: 2026-01-11. Review status: criteria provided, single submitter. Criteria: Invitae Variant Classification Sherloc (09022015). Collection method: clinical testing. Allele origin: germline.
Comment: This sequence change affects codon 1182 of the LTBP3 mRNA. It is a 'silent' change, meaning that it does not change the encoded amino acid sequence of the LTBP3 protein. It affects a nucleotide within the consensus splice site. This variant is not present in population databases (gnomAD no frequency). This variant has not been reported in the literature in individuals affected with LTBP3-related conditions. ClinVar contains an entry for this variant (Variation ID: 2195820). Algorithms developed to predict the effect of sequence changes on RNA splicing suggest that this variant is not likely to affect RNA splicing. In summary, the available evidence is currently insufficient to determine the role of this variant in disease. Therefore, it has been classified as a Variant of Uncertain Significance.

Ambry Genetics
Classification: Likely benign for Inborn genetic diseases. Last evaluated: 2024-04-13. Review status: criteria provided, single submitter. Criteria: Ambry Variant Classification Scheme 2023. Collection method: clinical testing. Allele origin: germline.

NM_001130144.3(LTBP3):c.3546G>T (p.Ala1182=)

Gene: LTBP3 (latent transforming growth factor beta binding protein 3; minus strand). Cytogenetic location: 11q13.1.
Variant type: single nucleotide variant.
Coding change: c.3546G>T on transcript NM_001130144.3 (MANE Select); coding-DNA position 3546, G replaced by T.
Protein change: p.Ala1182=; no amino-acid change (alanine 1182 retained).
Molecular consequence: synonymous variant.
Genome position (GRCh38, 1-based): chr11:65,539,721, C>A on the plus strand (G>T on the coding strand, the complement: LTBP3 is on the minus strand). VCF-style: chr11-65539721-C-A. GRCh37 (hg19) VCF-style: chr11-65307192-C-A.
Other names: c.3054G>T, p.Ala1018= (NM_001164266.1); c.3405G>T, p.Ala1135= (NM_021070.4); c.3546G>T (NM_001130144.2).
Identifiers: ClinVar variation 2195820 (VCV002195820.5), dbSNP rs569342451, ClinGen allele CA6100266.